The following is an entry in ClinVar:

NM_001370259.2(MEN1):c.770T>C (p.Leu257Pro)

Gene: MEN1 (menin 1; minus strand). Cytogenetic location: 11q13.1.
Variant type: single nucleotide variant.
Coding change: c.770T>C on transcript NM_001370259.2 (MANE Select); coding-DNA position 770, T replaced by C.
Protein change: p.Leu257Pro; replaces leucine 257 with proline.
Molecular consequence: missense variant. On other transcripts: non-coding transcript variant (4).
Genome position (GRCh38, 1-based): chr11:64,807,565, A>G on the plus strand (T>C on the coding strand, the complement: MEN1 is on the minus strand). VCF-style: chr11-64807565-A-G. GRCh37 (hg19) VCF-style: chr11-64575037-A-G.
Other names: c.785T>C, p.Leu262Pro (NM_000244.4, NM_001407145.1, NM_001407150.1 and 5 more transcripts); c.770T>C, p.Leu257Pro (NM_001370251.2, NM_001370260.2, NM_001370261.2 and 7 more transcripts); c.665T>C, p.Leu222Pro (NM_001370262.2, NM_001370263.2, NM_001407148.1 and 2 more transcripts); short protein forms L222P, L257P, L262P.
Identifiers: ClinVar variation 3004010 (VCV003004010.4), dbSNP rs2497203391, ClinGen allele CA381184175.
Genomic context (GRCh38, chr11:64,807,565, plus strand): 5'-GTCAAGTCTGGCCTAGCCCAGTCCTGCCCCATTGGCTCAGCCCTCACCTGCTGCAGCTGC[A>G]GAAGCTCCAGCGAGTCGGTGTGCAGGTCAATGGAAGGGTTGATGGCACACACCATGAACG-3'
Protein context (NP_001357188.2, residues 247-267): IDLHTDSLEL[Leu257Pro]QLQQKLLWLL

ClinVar aggregate classification (germline): Uncertain significance. Review status: criteria provided, multiple submitters, no conflicts (2 of 4 stars). 2 submissions from 2 submitters: Uncertain significance (2). Last evaluated 2024-03-05.

Conditions:
Multiple endocrine neoplasia, type 1 (MEN1). Also called: MEN I; WERMER SYNDROME; Endocrine adenomatosis multiple; MEN 1; MEA I. Identifiers: Orphanet 652, MedGen C0025267, MeSH D018761, MONDO:0007540, OMIM 131100.

Submissions (2):

All of Us Research Program, National Institutes of Health
Classification: Uncertain significance for Multiple endocrine neoplasia, type 1. Last evaluated: 2024-03-05. Review status: criteria provided, single submitter. Criteria: ACMG Guidelines, 2015. Collection method: clinical testing. Allele origin: germline. Inheritance: Autosomal dominant inheritance. Observed: 1 variant allele, 1 heterozygote.
Comment: This study involves interpretation of variants in research participants for the purpose of population health screening. Participant phenotype was not available at the time of variant classification. Additional details can be found in publication PMID: 35346344, PMCID: PMC8962531

Labcorp Genetics (formerly Invitae), Labcorp
Classification: Uncertain significance for Multiple endocrine neoplasia, type 1. Last evaluated: 2023-09-20. Review status: criteria provided, single submitter. Criteria: Invitae Variant Classification Sherloc (09022015). Collection method: clinical testing. Allele origin: germline.
Comment: This sequence change replaces leucine, which is neutral and non-polar, with proline, which is neutral and non-polar, at codon 257 of the MEN1 protein (p.Leu257Pro). This variant is not present in population databases (gnomAD no frequency). Advanced modeling of protein sequence and biophysical properties (such as structural, functional, and spatial information, amino acid conservation, physicochemical variation, residue mobility, and thermodynamic stability) performed at Invitae indicates that this missense variant is expected to disrupt MEN1 protein function. This variant has not been reported in the literature in individuals affected with MEN1-related conditions. In summary, the available evidence is currently insufficient to determine the role of this variant in disease. Therefore, it has been classified as a Variant of Uncertain Significance.